The following is an entry in ClinVar:

ClinVar aggregate classification (germline): Uncertain significance (1 of 4 stars; one submission).

Submission:

Labcorp Genetics (formerly Invitae), Labcorp
Classification: Uncertain significance. Last evaluated: 2025-01-17. Review status: criteria provided, single submitter. Criteria: Invitae Variant Classification Sherloc (09022015). Collection method: clinical testing. Allele origin: germline.
Comment: This sequence change replaces asparagine, which is neutral and polar, with lysine, which is basic and polar, at codon 740 of the LRP5 protein (p.Asn740Lys). This variant is not present in population databases (gnomAD no frequency). This variant has not been reported in the literature in individuals affected with LRP5-related conditions. Invitae Evidence Modeling of protein sequence and biophysical properties (such as structural, functional, and spatial information, amino acid conservation, physicochemical variation, residue mobility, and thermodynamic stability) indicates that this missense variant is not expected to disrupt LRP5 protein function with a negative predictive value of 95%. In summary, the available evidence is currently insufficient to determine the role of this variant in disease. Therefore, it has been classified as a Variant of Uncertain Significance.

NM_002335.4(LRP5):c.2220C>G (p.Asn740Lys)

Gene: LRP5 (LDL receptor related protein 5; plus strand). Cytogenetic location: 11q13.2.
Variant type: single nucleotide variant.
Coding change: c.2220C>G on transcript NM_002335.4 (MANE Select); coding-DNA position 2220, C replaced by G.
Protein change: p.Asn740Lys; replaces asparagine 740 with lysine.
Molecular consequence: missense variant.
Genome position (GRCh38, 1-based): chr11:68,410,042, C>G. VCF-style: chr11-68410042-C-G. GRCh37 (hg19) VCF-style: chr11-68177510-C-G.
Other names: c.477C>G, p.Asn159Lys (NM_001291902.2); short protein forms N740K, N159K.
Identifiers: ClinVar variation 3634237 (VCV003634237.2).